The following is an entry in ClinVar:

NM_016216.4(DBR1):c.1280A>G (p.Asp427Gly)

Gene: DBR1 (debranching RNA lariats 1; minus strand). Cytogenetic location: 3q22.3.
Variant type: single nucleotide variant.
Coding change: c.1280A>G on transcript NM_016216.4 (MANE Select); coding-DNA position 1280, A replaced by G.
Protein change: p.Asp427Gly; replaces aspartic acid 427 with glycine.
Molecular consequence: missense variant.
Genome position (GRCh38, 1-based): chr3:138,162,244, T>C on the plus strand (A>G on the coding strand, the complement: DBR1 is on the minus strand). VCF-style: chr3-138162244-T-C. GRCh37 (hg19) VCF-style: chr3-137881086-T-C.
Other names: short protein forms D427G.
Identifiers: ClinVar variation 2000307 (VCV002000307.4), dbSNP rs2472960116, ClinGen allele CA354670097.

ClinVar aggregate classification (germline): Uncertain significance (1 of 4 stars; one submission).

Allele frequency attached by ClinVar (database versions not stated): gnomAD exomes below 0.00001.

Submission:

Labcorp Genetics (formerly Invitae), Labcorp
Classification: Uncertain significance. Last evaluated: 2022-07-27. Review status: criteria provided, single submitter. Criteria: Invitae Variant Classification Sherloc (09022015). Collection method: clinical testing. Allele origin: germline.
Comment: This sequence change replaces aspartic acid, which is acidic and polar, with glycine, which is neutral and non-polar, at codon 427 of the DBR1 protein (p.Asp427Gly). In summary, the available evidence is currently insufficient to determine the role of this variant in disease. Therefore, it has been classified as a Variant of Uncertain Significance. Algorithms developed to predict the effect of missense changes on protein structure and function are either unavailable or do not agree on the potential impact of this missense change (SIFT: "Deleterious"; PolyPhen-2: "Possibly Damaging"; Align-GVGD: "Class C0"). This variant has not been reported in the literature in individuals affected with DBR1-related conditions. This variant is not present in population databases (gnomAD no frequency).